The following is an entry in ClinVar:

ClinVar aggregate classification (germline): Uncertain significance (1 of 4 stars; one submission).

Conditions:
Glycogen storage disease, type II (IOPD). Also called: Glycogen storage disease type 2; Acid maltase deficiency disease; Aglucosidase alfa; Deficiency of alpha-glucosidase; Deficiency of lysosomal alpha-glucosidase; Glucosidase acid-1,4-alpha deficiency. Identifiers: Orphanet 365, MedGen C0017921, MONDO:0009290, OMIM 232300.

Allele frequency attached by ClinVar (database versions not stated): TOPMed below 0.00001.
gnomAD v4.1: 2 of 1,612,820 alleles (0.00012%); highest among the groups gnomAD compares: African/African-American, 0.0013%; no homozygotes.

Submission:

Labcorp Genetics (formerly Invitae), Labcorp
Classification: Uncertain significance for Glycogen storage disease, type II. Last evaluated: 2022-04-06. Review status: criteria provided, single submitter. Criteria: Invitae Variant Classification Sherloc (09022015). Collection method: clinical testing. Allele origin: germline.
Comment: This sequence change replaces threonine, which is neutral and polar, with lysine, which is basic and polar, at codon 149 of the GAA protein (p.Thr149Lys). This variant is not present in population databases (gnomAD no frequency). This variant has not been reported in the literature in individuals affected with GAA-related conditions. Advanced modeling of protein sequence and biophysical properties (such as structural, functional, and spatial information, amino acid conservation, physicochemical variation, residue mobility, and thermodynamic stability) performed at Invitae indicates that this missense variant is not expected to disrupt GAA protein function. In summary, the available evidence is currently insufficient to determine the role of this variant in disease. Therefore, it has been classified as a Variant of Uncertain Significance.

NM_000152.5(GAA):c.446C>A (p.Thr149Lys)

Gene: GAA (alpha glucosidase; plus strand). Cytogenetic location: 17q25.3.
Variant type: single nucleotide variant.
Coding change: c.446C>A on transcript NM_000152.5 (MANE Select); coding-DNA position 446, C replaced by A.
Protein change: p.Thr149Lys; replaces threonine 149 with lysine.
Molecular consequence: missense variant.
Genome position (GRCh38, 1-based): chr17:80,105,032, C>A. VCF-style: chr17-80105032-C-A. GRCh37 (hg19) VCF-style: chr17-78078831-C-A.
Other names: c.446C>A, p.Thr149Lys (NM_001079803.3, NM_001079804.3, NM_001406741.1 and 1 more transcripts); short protein forms T149K.
Identifiers: ClinVar variation 1990791 (VCV001990791.1), dbSNP rs750628023, ClinGen allele CA401361436.
Genomic context (GRCh38, chr17:80,105,032, plus strand): 5'-TCCCACCCAGCTACCCCAGCTACAAGCTGGAGAACCTGAGCTCCTCTGAAATGGGCTACA[C>A]GGCCACCCTGACCCGTACCACCCCCACCTTCTTCCCCAAGGACATCCTGACCCTGCGGCT-3'
Protein context (NP_000143.2, residues 139-159): ENLSSSEMGY[Thr149Lys]ATLTRTTPTF